The following is an entry in ClinVar:

NM_004544.4(NDUFA10):c.264A>G (p.Glu88=)

Gene: NDUFA10 (NADH:ubiquinone oxidoreductase subunit A10; minus strand). Cytogenetic location: 2q37.3.
Variant type: single nucleotide variant.
Coding change: c.264A>G on transcript NM_004544.4 (MANE Select); coding-DNA position 264, A replaced by G.
Protein change: p.Glu88=; no amino-acid change (glutamic acid 88 retained).
Molecular consequence: synonymous variant. On other transcripts: non-coding transcript variant (4).
Genome position (GRCh38, 1-based): chr2:240,021,393, T>C on the plus strand (A>G on the coding strand, the complement: NDUFA10 is on the minus strand). VCF-style: chr2-240021393-T-C. GRCh37 (hg19) VCF-style: chr2-240960810-T-C.
Other names: c.264A>G, p.Glu88= (NM_001322019.2, NM_001322020.2).
Identifiers: ClinVar variation 379127 (VCV000379127.1), dbSNP rs776242214, ClinGen allele CA2201103.

ClinVar aggregate classification (germline): Likely benign (1 of 4 stars; one submission).

Allele frequency attached by ClinVar (database versions not stated): gnomAD exomes below 0.00001; gnomAD 0.00001; TOPMed 0.00001; ExAC 0.00001.
gnomAD v4.1: 2 of 1,614,080 alleles (0.00012%); highest among the groups gnomAD compares: Non-Finnish European, 0.00017%; no homozygotes.

Submission:

GeneDx
Classification: Likely benign. Last evaluated: 2016-08-05. Review status: criteria provided, single submitter. Criteria: GeneDx Variant Classification (06012015). Collection method: clinical testing. Allele origin: germline. Affected: yes.
Comment: This variant is considered likely benign or benign based on one or more of the following criteria: it is a conservative change, it occurs at a poorly conserved position in the protein, it is predicted to be benign by multiple in silico algorithms, and/or has population frequency not consistent with disease.